The following is an entry in ClinVar:

ClinVar aggregate classification (germline): Likely pathogenic (1 of 4 stars; one submission).

Conditions:
2-aminoadipic 2-oxoadipic aciduria (AAKAD). Also called: Aminoadipic aciduria; ALPHA-AMINOADIPIC AND ALPHA-KETOADIPIC ACIDURIA. Identifiers: Orphanet 79154, MedGen C1859817, MONDO:0008774, OMIM 204750.

Submission:

Labcorp Genetics (formerly Invitae), Labcorp
Classification: Likely pathogenic for 2-aminoadipic 2-oxoadipic aciduria. Last evaluated: 2023-09-06. Review status: criteria provided, single submitter. Criteria: Invitae Variant Classification Sherloc (09022015). Collection method: clinical testing. Allele origin: germline.
Comment: This variant results in the deletion of exon 10 and part of exon 9 (c.1720_1896+1677del) of the DHTKD1 gene. It is expected to disrupt RNA splicing. Variants that disrupt the donor or acceptor splice site typically lead to a loss of protein function (PMID: 16199547), and loss-of-function variants in DHTKD1 are known to be pathogenic (PMID: 23141293, 25860818). This variant has not been reported in the literature in individuals affected with DHTKD1-related conditions. In summary, the currently available evidence indicates that the variant is pathogenic, but additional data are needed to prove that conclusively. Therefore, this variant has been classified as Likely Pathogenic.

Literature cited by the submitters: PubMed 16199547; PubMed 23141293; PubMed 25860818.

NC_000010.10:g.(?_12142225)_(12144857_?)del

Gene: DHTKD1 (dehydrogenase E1 and transketolase domain containing 1; plus strand). Cytogenetic location: 10p14.
Variant type: Deletion.
Identifiers: ClinVar variation 2426495 (VCV002426495.6).